The following is an entry in ClinVar:

NM_003823.4(TNFRSF6B):c.823C>T (p.Arg275Trp)

Genes: RTEL1 (regulator of telomere elongation helicase 1; plus strand), RTEL1-TNFRSF6B (RTEL1-TNFRSF6B readthrough (NMD candidate); plus strand), TNFRSF6B (TNF receptor superfamily member 6b; plus strand). Cytogenetic location: 20q13.33.
Variant type: single nucleotide variant.
Coding change: c.823C>T on transcript NM_003823.4 (MANE Select); coding-DNA position 823, C replaced by T.
Protein change: p.Arg275Trp; replaces arginine 275 with tryptophan.
Molecular consequence: missense variant. On other transcripts: non-coding transcript variant (1).
Genome position (GRCh38, 1-based): chr20:63,698,483, C>T. VCF-style: chr20-63698483-C-T. GRCh37 (hg19) VCF-style: chr20-62329836-C-T.
Other names: c.823C>T (NM_003823.3); short protein forms R275W.
Identifiers: ClinVar variation 550464 (VCV000550464.11), dbSNP rs756317669, ClinGen allele CA9966631.
Genomic context (GRCh38, chr20:63,698,483, plus strand): 5'-CTGAAGCTGCGTCGGCGGCTCACGGAGCTCCTGGGGGCGCAGGACGGGGCGCTGCTGGTG[C>T]GGCTGCTGCAGGCGCTGCGCGTGGCCAGGATGCCCGGGCTGGAGCGGAGCGTCCGTGAGC-3'
Protein context (NP_003814.1, residues 265-285): LGAQDGALLV[Arg275Trp]LLQALRVARM

ClinVar aggregate classification (germline): Uncertain significance. Review status: criteria provided, multiple submitters, no conflicts (2 of 4 stars). 3 submissions from 3 submitters: Uncertain significance (2). 1 of the submissions does not count toward it. Last evaluated 2024-11-05.

Conditions:
Dyskeratosis congenita, autosomal recessive 5 (DKCB5). Identifiers: MedGen C3554656, MONDO:0014076, OMIM 615190.

Allele frequency attached by ClinVar (database versions not stated): gnomAD 0.00002; gnomAD exomes 0.00006 and 0.00005; TOPMed 0.00002; ExAC 0.00013.
gnomAD v4.1: 77 of 1,549,830 alleles (0.005%); highest among the groups gnomAD compares: East Asian, 0.014%; no homozygotes.

Submissions (3):

Labcorp Genetics (formerly Invitae), Labcorp
Classification: Uncertain significance. Last evaluated: 2024-11-05. Review status: criteria provided, single submitter. Criteria: Invitae Variant Classification Sherloc (09022015). Collection method: clinical testing. Allele origin: germline.
Comment: This sequence change replaces arginine, which is basic and polar, with tryptophan, which is neutral and slightly polar, at codon 275 of the TNFRSF6B protein (p.Arg275Trp). The frequency data for this variant in the population databases is considered unreliable, as metrics indicate poor data quality at this position in the gnomAD database. This variant has not been reported in the literature in individuals affected with TNFRSF6B-related conditions. ClinVar contains an entry for this variant (Variation ID: 550464). An algorithm developed to predict the effect of missense changes on protein structure and function outputs the following: PolyPhen-2: "Benign". The tryptophan amino acid residue is found in multiple mammalian species, which suggests that this missense change does not adversely affect protein function. In summary, the available evidence is currently insufficient to determine the role of this variant in disease. Therefore, it has been classified as a Variant of Uncertain Significance.

Ambry Genetics
Classification: Uncertain significance. Last evaluated: 2023-04-06. Review status: criteria provided, single submitter. Criteria: Ambry Variant Classification Scheme 2023. Collection method: clinical testing. Allele origin: germline.

Counsyl
Classification: Uncertain significance for Dyskeratosis congenita, autosomal recessive 5. Last evaluated: 2017-01-30. Review status: no assertion criteria provided. Collection method: clinical testing. Allele origin: unknown. Not counted in ClinVar's aggregate classification.